The following is an entry in ClinVar:

NM_017721.5(CC2D1A):c.636C>A (p.Thr212=)

Gene: CC2D1A (coiled-coil and C2 domain containing 1A; plus strand). Cytogenetic location: 19p13.12.
Variant type: single nucleotide variant.
Coding change: c.636C>A on transcript NM_017721.5 (MANE Select); coding-DNA position 636, C replaced by A.
Protein change: p.Thr212=; no amino-acid change (threonine 212 retained).
Molecular consequence: synonymous variant.
Genome position (GRCh38, 1-based): chr19:13,913,526, C>A. VCF-style: chr19-13913526-C-A. GRCh37 (hg19) VCF-style: chr19-14024339-C-A.
Identifiers: ClinVar variation 730626 (VCV000730626.10), dbSNP rs372760536, ClinGen allele CA9244363.

ClinVar aggregate classification (germline): Likely benign. Review status: criteria provided, multiple submitters, no conflicts (2 of 4 stars). 3 submissions from 3 submitters: Likely benign (2). 1 of the submissions does not count toward it. Last evaluated 2024-10-07.

Conditions:
CC2D1A-related disorder. Also called: CC2D1A-related condition.
Inborn genetic diseases. Identifiers: MedGen C0950123, MeSH D030342.

Allele frequency attached by ClinVar (database versions not stated): gnomAD 0.00036; TOPMed 0.00036; 1000 Genomes Project 0.00080; ESP Exome Variant Server 0.00049; 1000 Genomes Project 30x 0.00109.
gnomAD v4.1: 123 of 1,614,156 alleles (0.0076%); highest among the groups gnomAD compares: African/African-American, 0.15%; 1 homozygote.

Submissions (3):

Labcorp Genetics (formerly Invitae), Labcorp
Classification: Likely benign. Last evaluated: 2024-10-07. Review status: criteria provided, single submitter. Criteria: Invitae Variant Classification Sherloc (09022015). Collection method: clinical testing. Allele origin: germline.

Ambry Genetics
Classification: Likely benign for Inborn genetic diseases. Last evaluated: 2019-11-26. Review status: criteria provided, single submitter. Criteria: Ambry Variant Classification Scheme 2023. Collection method: clinical testing. Allele origin: germline.

PreventionGenetics, part of Exact Sciences
Classification: Likely benign for CC2D1A-related condition. Last evaluated: 2019-08-08. Review status: no assertion criteria provided. Collection method: clinical testing. Allele origin: germline. Not counted in ClinVar's aggregate classification.
Comment: This variant is classified as likely benign based on ACMG/AMP sequence variant interpretation guidelines (Richards et al. 2015 PMID: 25741868, with internal and published modifications).